The following is an entry in ClinVar:

ClinVar aggregate classification (germline): Uncertain significance. Review status: criteria provided, multiple submitters, no conflicts (2 of 4 stars). 3 submissions from 3 submitters: Uncertain significance (3). Last evaluated 2025-09-04.

Conditions:
Hypogonadotropic hypogonadism 3 with or without anosmia (HH3). Also called: PROKR2-Related GnRH Deficiency (Kallmann Syndrome 3); HYPOGONADOTROPIC HYPOGONADISM 3 WITH ANOSMIA. Identifiers: Orphanet 478, MedGen C3550478, MONDO:0009482, OMIM 244200.

Allele frequency attached by ClinVar (database versions not stated): ExAC 0.00002; gnomAD 0.00002; ESP Exome Variant Server 0.00008.

Submissions (3):

Labcorp Genetics (formerly Invitae), Labcorp
Classification: Uncertain significance. Last evaluated: 2025-09-04. Review status: criteria provided, single submitter. Criteria: Invitae Variant Classification Sherloc (09022015). Collection method: clinical testing. Allele origin: germline.
Comment: This sequence change replaces valine, which is neutral and non-polar, with methionine, which is neutral and non-polar, at codon 334 of the PROKR2 protein (p.Val334Met). This variant is present in population databases (rs371564610, gnomAD 0.02%). This missense change has been observed in individual(s) with Kallman syndrome (PMID: 24031091, 36138264, 36694982). ClinVar contains an entry for this variant (Variation ID: 1874771). An algorithm developed to predict the effect of missense changes on protein structure and function outputs the following: PolyPhen-2: "Benign". The methionine amino acid residue is found in multiple mammalian species, which suggests that this missense change does not adversely affect protein function. Experimental studies are conflicting or provide insufficient evidence to determine the effect of this variant on PROKR2 function (PMID: 24276467, 29161432). In summary, the available evidence is currently insufficient to determine the role of this variant in disease. Therefore, it has been classified as a Variant of Uncertain Significance.

Fulgent Genetics
Classification: Uncertain significance for Hypogonadotropic hypogonadism 3 with or without anosmia. Last evaluated: 2024-03-23. Review status: criteria provided, single submitter. Criteria: ACMG Guidelines, 2015. Collection method: clinical testing. Allele origin: germline.

Women's Health and Genetics/Laboratory Corporation of America, LabCorp
Classification: Uncertain significance. Last evaluated: 2022-12-21. Review status: criteria provided, single submitter. Criteria: LabCorp Variant Classification Summary - May 2015. Collection method: clinical testing. Allele origin: germline.
Comment: Variant summary: PROKR2 c.1000G>A (p.Val334Met) results in a conservative amino acid change in the encoded protein sequence. Three of five in-silico tools predict a benign effect of the variant on protein function. The variant allele was found at a frequency of 3.6e-05 in 251492 control chromosomes. The available data on variant occurrences in the general population are insufficient to allow any conclusion about variant significance. c.1000G>A has been reported in the literature in individuals with features of Kallman syndrome or idiopathic central hypogonadism (example, Sarfati_2013, Libri_2014). These report(s) do not provide unequivocal conclusions about association of the variant with Kallmann Syndrome 3. At least one publication reports experimental evidence evaluating an impact on protein function (example, Libri_2014). The most pronounced variant effect results in a functional score for this variant set to 50-70% WT activities. No clinical diagnostic laboratories have submitted clinical-significance assessments for this variant to ClinVar after 2014. Based on the evidence outlined above, the variant was classified as uncertain significance.

Literature cited by the submitters: PubMed 24031091 (cited by Labcorp Genetics (formerly Invitae), Labcorp and Women's Health and Genetics/Laboratory Corporation of America, LabCorp); PubMed 36138264 (cited by Labcorp Genetics (formerly Invitae), Labcorp); PubMed 36694982 (cited by Labcorp Genetics (formerly Invitae), Labcorp); PubMed 24276467 (cited by Labcorp Genetics (formerly Invitae), Labcorp and Women's Health and Genetics/Laboratory Corporation of America, LabCorp); PubMed 29161432 (cited by Labcorp Genetics (formerly Invitae), Labcorp and Women's Health and Genetics/Laboratory Corporation of America, LabCorp).

NM_144773.4(PROKR2):c.1000G>A (p.Val334Met)

Gene: PROKR2 (prokineticin receptor 2; minus strand). Cytogenetic location: 20p12.3.
Variant type: single nucleotide variant.
Coding change: c.1000G>A on transcript NM_144773.4 (MANE Select); coding-DNA position 1000, G replaced by A.
Protein change: p.Val334Met; replaces valine 334 with methionine.
Molecular consequence: missense variant.
Genome position (GRCh38, 1-based): chr20:5,302,195, C>T on the plus strand (G>A on the coding strand, the complement: PROKR2 is on the minus strand). VCF-style: chr20-5302195-C-T. GRCh37 (hg19) VCF-style: chr20-5282841-C-T.
Other names: short protein forms V334M.
Identifiers: ClinVar variation 1874771 (VCV001874771.7), dbSNP rs371564610, ClinGen allele CA9754226.